The following is an entry in ClinVar:

NM_000169.3(GLA):c.692A>C (p.Asp231Ala)

Genes: GLA (galactosidase alpha; minus strand), RPL36A-HNRNPH2 (RPL36A-HNRNPH2 readthrough; plus strand). Cytogenetic location: Xq22.1.
Variant type: single nucleotide variant.
Coding change: c.692A>C on transcript NM_000169.3 (MANE Select); coding-DNA position 692, A replaced by C.
Protein change: p.Asp231Ala; replaces aspartic acid 231 with alanine.
Molecular consequence: missense variant. On other transcripts: non-coding transcript variant (3), intron variant (2).
Genome position (GRCh38, 1-based): chrX:101,398,894, T>G on the plus strand (A>C on the coding strand, the complement: GLA is on the minus strand). VCF-style: chrX-101398894-T-G. GRCh37 (hg19) VCF-style: chrX-100653882-T-G.
Other names: c.815A>C, p.Asp272Ala (NM_001406747.1); c.692A>C, p.Asp231Ala (NM_001406748.1); c.300+3437T>G (NM_001199973.2); c.177+7072T>G (NM_001199974.2); short protein forms D231A, D272A.
Identifiers: ClinVar variation 578114 (VCV000578114.14), dbSNP rs1569303295, ClinGen allele CA413924785.
Genomic context (GRCh38, chrX:101,398,894, plus strand): 5'-TCCTGGTTAAAAGATGTCCAGTCCAAGATACTCTTTATACTTTTCCAGGAATCATCAATG[T>G]CAGCAAAATTTCGCCAGTGATTGCAGTACTGTCGGATTTCTGTATAATTGGGCTGTGAAA-3'
Protein context (NP_000160.1, residues 221-241): QYCNHWRNFA[Asp231Ala]IDDSWKSIKS

ClinVar aggregate classification (germline): Conflicting classifications of pathogenicity. Review status: criteria provided, conflicting classifications (1 of 4 stars). 3 submissions from 3 submitters: Likely pathogenic (2); Uncertain significance (1). Last evaluated 2021-07-15.

Conditions:
GLA-related disorder. Also called: GLA-related condition.
Fabry disease. Also called: Fabry's disease; CERAMIDE TRIHEXOSIDASE DEFICIENCY; GLA DEFICIENCY; HEREDITARY DYSTOPIC LIPIDOSIS; Angiokeratoma corporis diffusum; ALPHA-GALACTOSIDASE A DEFICIENCY. Identifiers: Orphanet 324, MedGen C0002986, MONDO:0010526, OMIM 301500, HP:0001071. Disease mechanism: Fabry disease is due to inactivating mutations in the X-linked GLA gene resulting in deficiency of the enzyme Alpha Galactosidase-A., loss of function.

Submissions (3):

Genome-Nilou Lab
Classification: Likely pathogenic for Fabry disease. Last evaluated: 2021-07-15. Review status: criteria provided, single submitter. Criteria: ACMG Guidelines, 2015. Collection method: clinical testing. Allele origin: germline. Affected: no.

Labcorp Genetics (formerly Invitae), Labcorp
Classification: Uncertain significance for Fabry disease. Last evaluated: 2018-05-07. Review status: criteria provided, single submitter. Criteria: Invitae Variant Classification Sherloc (09022015). Collection method: clinical testing. Allele origin: germline.
Comment: In summary, the available evidence is currently insufficient to determine the role of this variant in disease. Therefore, it has been classified as a Variant of Uncertain Significance. Three different missense substitutions at this codon (p.Asp231Asn, p.Asp231Val, p.Asp231Gly) have been reported in individuals affected with Fabry disease (PMID: 8863162, 18205205, 19287194). Algorithms developed to predict the effect of missense changes on protein structure and function (SIFT, PolyPhen-2, Align-GVGD) all suggest that this variant is likely to be disruptive, but these predictions have not been confirmed by published functional studies and their clinical significance is uncertain. This variant has not been reported in the literature in individuals with GLA-related disease. This variant is not present in population databases (ExAC no frequency). This sequence change replaces aspartic acid with alanine at codon 231 of the GLA protein (p.Asp231Ala). The aspartic acid residue is highly conserved and there is a moderate physicochemical difference between aspartic acid and alanine.

Blueprint Genetics
Classification: Likely pathogenic for GLA-related disorders. Last evaluated: 2017-11-07. Review status: criteria provided, single submitter. Criteria: ACMG Guidelines, 2015. Collection method: clinical testing. Allele origin: germline. Affected: yes. Observed: 1 variant allele.

Literature cited by the submitters: PubMed 8863162 (cited by Labcorp Genetics (formerly Invitae), Labcorp); PubMed 18205205 (cited by Labcorp Genetics (formerly Invitae), Labcorp); PubMed 19287194 (cited by Labcorp Genetics (formerly Invitae), Labcorp).